The following is an entry in ClinVar:

ClinVar aggregate classification (germline): Likely benign (1 of 4 stars; one submission).

Allele frequency attached by ClinVar (database versions not stated): 1000 Genomes Project 30x 0.00234; 1000 Genomes Project 0.00240; TOPMed 0.00362; gnomAD 0.00404; gnomAD exomes 0.00711.
gnomAD v4.1: 6,504 of 985,366 alleles (0.66%); highest among the groups gnomAD compares: Non-Finnish European, 0.74%; 30 homozygotes.

Submission:

CeGaT Center for Human Genetics Tuebingen
Classification: Likely benign. Last evaluated: 2023-04-01. Review status: criteria provided, single submitter. Criteria: CeGaT Center For Human Genetics Tuebingen Variant Classification Criteria Version 2. Collection method: clinical testing. Allele origin: germline. Affected: yes. Observed: 4 variant alleles.
Comment: AFF3: BS2

NM_001386135.1(AFF3):c.1091+19936G>T

Gene: AFF3 (ALF transcription elongation factor 3; minus strand). Cytogenetic location: 2q11.2.
Variant type: single nucleotide variant.
Coding change: c.1091+19936G>T on transcript NM_001386135.1 (MANE Select); 19936 bases into the intron after coding-DNA position 1091, G replaced by T.
Molecular consequence: intron variant.
Genome position (GRCh38, 1-based): chr2:99,707,141, C>A on the plus strand (G>T on the coding strand, the complement: AFF3 is on the minus strand). VCF-style: chr2-99707141-C-A. GRCh37 (hg19) VCF-style: chr2-100323603-C-A.
Other names: c.1091+19936G>T (NM_002285.3); c.1166+19936G>T (NM_001025108.2).
Identifiers: ClinVar variation 2651197 (VCV002651197.24), dbSNP rs139803736, ClinGen allele CA52895597.